The following is an entry in ClinVar:

NM_002519.3(NPAT):c.1422G>C (p.Gln474His)

Gene: NPAT (nuclear protein, coactivator of histone transcription; minus strand). Cytogenetic location: 11q22.3.
Variant type: single nucleotide variant.
Coding change: c.1422G>C on transcript NM_002519.3 (MANE Select); coding-DNA position 1422, G replaced by C.
Protein change: p.Gln474His; replaces glutamine 474 with histidine.
Molecular consequence: missense variant.
Genome position (GRCh38, 1-based): chr11:108,173,562, C>G on the plus strand (G>C on the coding strand, the complement: NPAT is on the minus strand). VCF-style: chr11-108173562-C-G. GRCh37 (hg19) VCF-style: chr11-108044289-C-G.
Other names: c.1422G>C, p.Gln474His (NM_001321307.1); short protein forms Q474H.
Identifiers: ClinVar variation 2496676 (VCV002496676.3), dbSNP rs11212537, ClinGen allele CA382515289.

ClinVar aggregate classification (germline): Uncertain significance. Review status: criteria provided, multiple submitters, no conflicts (2 of 4 stars). 2 submissions from 2 submitters: Uncertain significance (2). Last evaluated 2025-10-29.

Allele frequency attached by ClinVar (database versions not stated): gnomAD exomes below 0.00001.
gnomAD v4.1: 1 of 1,614,172 alleles (0.000062%); highest among the groups gnomAD compares: Non-Finnish European, 0.000085%; no homozygotes.

Submissions (2):

Labcorp Genetics (formerly Invitae), Labcorp
Classification: Uncertain significance. Last evaluated: 2025-10-29. Review status: criteria provided, single submitter. Criteria: Invitae Variant Classification Sherloc (09022015). Collection method: clinical testing. Allele origin: germline.
Comment: This sequence change replaces glutamine, which is neutral and polar, with histidine, which is basic and polar, at codon 474 of the NPAT protein (p.Gln474His). This variant is not present in population databases (gnomAD no frequency). This variant has not been reported in the literature in individuals affected with NPAT-related conditions. ClinVar contains an entry for this variant (Variation ID: 2496676). An algorithm developed to predict the effect of missense changes on protein structure and function (PolyPhen-2) suggests that this variant is likely to be disruptive. In summary, the available evidence is currently insufficient to determine the role of this variant in disease. Therefore, it has been classified as a Variant of Uncertain Significance.

Ambry Genetics
Classification: Uncertain significance. Last evaluated: 2022-11-15. Review status: criteria provided, single submitter. Criteria: Ambry Variant Classification Scheme 2023. Collection method: clinical testing. Allele origin: germline.
Comment: The p.Q474H variant (also known as c.1422G>C), located in coding exon 13 of the NPAT gene, results from a G to C substitution at nucleotide position 1422. The glutamine at codon 474 is replaced by histidine, an amino acid with highly similar properties. This amino acid position is conserved. In addition, this alteration is predicted to be tolerated by in silico analysis. Since supporting evidence is limited at this time, the clinical significance of this alteration remains unclear.